The following is an entry in ClinVar:

NM_015260.3(SIN3B):c.382_384del

Gene: SIN3B (SIN3 transcription regulator family member B; plus strand). Cytogenetic location: 19p13.11.
Variant type: Deletion.
Coding change: c.382_384del on transcript NM_015260.3; coding-DNA positions 382 to 384, 3 bases deleted (GAG; older notation c.382_384delGAG).
Genome position (GRCh38, 1-based): chr19:16,841,768-16,841,770, GAG deleted; deleting any 3 consecutive bases within chr19:16,841,766-16,841,770 gives the same sequence; the c. name uses the placement nearest the transcript's 3' end. VCF-style (leftmost placement, unchanged base first): chr19-16841765-CAGG-C. GRCh37 (hg19) VCF-style: chr19-16952576-CAGG-C.
Identifiers: ClinVar variation 3781066 (VCV003781066.1).
Genomic context (GRCh38, chr19:16,841,765, plus strand): 5'-TGGTGTTTTTCACAATCTGTTTCCAGTGTCGGGCCTGGCAGTAACTCATTGTCGCCTTGT[CAGG>C]AGAATTCGCACAACCACGGGGACGGTGCAGAGGACTTCAAGCAGCAGGTGCCGTATAAAG-3'

ClinVar aggregate classification (germline): Uncertain significance (1 of 4 stars; one submission).

Submission:

GeneDx
Classification: Uncertain significance. Last evaluated: 2024-10-16. Review status: criteria provided, single submitter. Criteria: GeneDx Variant Classification Process June 2021. Collection method: clinical testing. Allele origin: germline. Affected: yes.
Comment: In-frame deletion of 1 amino acid in a non-repeat region; Not observed at significant frequency in large population cohorts (gnomAD); In silico analysis supports a deleterious effect on protein structure/function; Has not been previously published as pathogenic or benign to our knowledge